The following is an entry in ClinVar:

NM_014908.4(DOLK):c.1295T>A (p.Leu432Gln)

Gene: DOLK (dolichol kinase; minus strand). Cytogenetic location: 9q34.11.
Variant type: single nucleotide variant.
Coding change: c.1295T>A on transcript NM_014908.4 (MANE Select); coding-DNA position 1295, T replaced by A.
Protein change: p.Leu432Gln; replaces leucine 432 with glutamine.
Molecular consequence: missense variant.
Genome position (GRCh38, 1-based): chr9:128,946,009, A>T on the plus strand (T>A on the coding strand, the complement: DOLK is on the minus strand). VCF-style: chr9-128946009-A-T. GRCh37 (hg19) VCF-style: chr9-131708288-A-T.
Other names: short protein forms L432Q.
Identifiers: ClinVar variation 3226324 (VCV003226324.1), dbSNP rs1841657033, ClinGen allele CA375118132.
Genomic context (GRCh38, chr9:128,946,009, plus strand): 5'-GTATCACCCACACCCACAGCCAGGACACCGGCATAGGGGACGAGGGCCCTGGCTCCTCCC[A>T]GGCTACCCTTCTGTGTGCAGGGTCTGGGGATCAGCCAGATGGGAAGAGACATGCCCAGGA-3'
Protein context (NP_055723.1, residues 422-442): IPRPCTQKGS[Leu432Gln]GGARALVPYA

ClinVar aggregate classification (germline): Uncertain significance (1 of 4 stars; one submission).

Conditions:
Cardiovascular phenotype. Identifiers: MedGen CN230736.

Submission:

Ambry Genetics
Classification: Uncertain significance for Cardiovascular phenotype. Last evaluated: 2023-12-12. Review status: criteria provided, single submitter. Criteria: Ambry Variant Classification Scheme 2023. Collection method: clinical testing. Allele origin: germline.
Comment: The p.L432Q variant (also known as c.1295T>A), located in coding exon 1 of the DOLK gene, results from a T to A substitution at nucleotide position 1295. The leucine at codon 432 is replaced by glutamine, an amino acid with dissimilar properties. This amino acid position is conserved. In addition, the in silico prediction for this alteration is inconclusive. Since supporting evidence is limited at this time, the clinical significance of this alteration remains unclear.